The following is an entry in ClinVar:

NM_000061.3(BTK):c.1487A>C (p.Gln496Pro)

Gene: BTK (Bruton tyrosine kinase; minus strand). Cytogenetic location: Xq22.1.
Variant type: single nucleotide variant.
Coding change: c.1487A>C on transcript NM_000061.3 (MANE Select); coding-DNA position 1487, A replaced by C.
Protein change: p.Gln496Pro; replaces glutamine 496 with proline.
Molecular consequence: missense variant. On other transcripts: intron variant (1).
Genome position (GRCh38, 1-based): chrX:101,356,131, T>G on the plus strand (A>C on the coding strand, the complement: BTK is on the minus strand). VCF-style: chrX-101356131-T-G. GRCh37 (hg19) VCF-style: chrX-100611119-T-G.
Other names: c.1589A>C, p.Gln530Pro (NM_001287344.2); c.1039-1437A>C (NM_001287345.2); short protein forms Q530P, Q496P.
Identifiers: ClinVar variation 1438373 (VCV001438373.8), dbSNP rs2147427327, ClinGen allele CA413923797.

ClinVar aggregate classification (germline): Uncertain significance (1 of 4 stars; one submission).

Conditions:
X-linked agammaglobulinemia with growth hormone deficiency (IGHD3). Also called: FLEISHER SYNDROME; HYPOGAMMAGLOBULINEMIA AND ISOLATED GROWTH HORMONE DEFICIENCY, X-LINKED; IGHD III; Isolated growth hormone deficiency type 3; Growth hormone deficiency with hypogammaglobulinemia; AGAMMAGLOBULINEMIA AND ISOLATED GROWTH HORMONE DEFICIENCY, X-LINKED. Identifiers: Orphanet 231692, Orphanet 631, MedGen C0472813, MONDO:0010615, OMIM 307200.

Submission:

Labcorp Genetics (formerly Invitae), Labcorp
Classification: Uncertain significance for X-linked agammaglobulinemia with growth hormone deficiency. Last evaluated: 2022-02-10. Review status: criteria provided, single submitter. Criteria: Invitae Variant Classification Sherloc (09022015). Collection method: clinical testing. Allele origin: germline.
Comment: In summary, the available evidence is currently insufficient to determine the role of this variant in disease. Therefore, it has been classified as a Variant of Uncertain Significance. Advanced modeling of protein sequence and biophysical properties (such as structural, functional, and spatial information, amino acid conservation, physicochemical variation, residue mobility, and thermodynamic stability) performed at Invitae indicates that this missense variant is not expected to disrupt BTK protein function. This variant has not been reported in the literature in individuals affected with BTK-related conditions. This variant is not present in population databases (gnomAD no frequency). This sequence change replaces glutamine, which is neutral and polar, with proline, which is neutral and non-polar, at codon 496 of the BTK protein (p.Gln496Pro).